The following is an entry in ClinVar:

NM_000161.3(GCH1):c.460A>G (p.Ile154Val)

Gene: GCH1 (GTP cyclohydrolase 1; minus strand). Cytogenetic location: 14q22.2.
Variant type: single nucleotide variant.
Coding change: c.460A>G on transcript NM_000161.3 (MANE Select); coding-DNA position 460, A replaced by G.
Protein change: p.Ile154Val; replaces isoleucine 154 with valine.
Molecular consequence: missense variant.
Genome position (GRCh38, 1-based): chr14:54,859,730, T>C on the plus strand (A>G on the coding strand, the complement: GCH1 is on the minus strand). VCF-style: chr14-54859730-T-C. GRCh37 (hg19) VCF-style: chr14-55326448-T-C.
Other names: c.460A>G, p.Ile154Val (NM_001024024.2, NM_001024070.2, NM_001024071.2); short protein forms I154V.
Identifiers: ClinVar variation 2419021 (VCV002419021.3), dbSNP rs373220294, ClinGen allele CA260552293.
Genomic context (GRCh38, chr14:54,859,730, plus strand): 5'-GTCACACTTACCTCGCAAGTTTGCTGAGGCCAAGGACTTGCTTGTTAGGAAGATAACCAA[T>C]ATGGACCTTCAGAGAAGAGACGGAAATCATTAGCTGAGTGAAAATACAGTGCCTTCTTTG-3'
Protein context (NP_000152.1, residues 144-164): HLVPFVGKVH[Ile154Val]GYLPNKQVLG

ClinVar aggregate classification (germline): Uncertain significance (1 of 4 stars; one submission).

Conditions:
GTP cyclohydrolase I deficiency. Identifiers: MedGen C0268467, MONDO:0100184.
Dystonia 5 (DRD). Also called: DYSTONIA, PROGRESSIVE, WITH DIURNAL VARIATION; DYSTONIA-PARKINSONISM WITH DIURNAL FLUCTUATION; GTP Cyclohydrolase 1-Deficient Dopa-Responsive Dystonia; DYT-GCH1; Dystonia, DOPA-responsive, with or without hyperphenylalaninemia. Identifiers: Orphanet 98808, MedGen C1851920, MONDO:0007495, OMIM 128230.

Allele frequency attached by ClinVar (database versions not stated): gnomAD 0.00001; gnomAD exomes 0.00001.
gnomAD v4.1: 8 of 1,583,046 alleles (0.00051%); highest among the groups gnomAD compares: East Asian, 0.0022%; no homozygotes.

Submission:

Labcorp Genetics (formerly Invitae), Labcorp
Classification: Uncertain significance for GTP cyclohydrolase I deficiency; Dystonia 5. Last evaluated: 2022-03-22. Review status: criteria provided, single submitter. Criteria: Invitae Variant Classification Sherloc (09022015). Collection method: clinical testing. Allele origin: germline.
Comment: This sequence change replaces isoleucine, which is neutral and non-polar, with valine, which is neutral and non-polar, at codon 154 of the GCH1 protein (p.Ile154Val). This variant is present in population databases (rs373220294, gnomAD 0.004%). This variant has not been reported in the literature in individuals affected with GCH1-related conditions. Algorithms developed to predict the effect of missense changes on protein structure and function (SIFT, PolyPhen-2, Align-GVGD) all suggest that this variant is likely to be tolerated. In summary, the available evidence is currently insufficient to determine the role of this variant in disease. Therefore, it has been classified as a Variant of Uncertain Significance.